The following is an entry in ClinVar:

NM_000093.5(COL5A1):c.1967C>A (p.Pro656His)

Gene: COL5A1 (collagen type V alpha 1 chain; plus strand). Cytogenetic location: 9q34.3.
Variant type: single nucleotide variant.
Coding change: c.1967C>A on transcript NM_000093.5 (MANE Select); coding-DNA position 1967, C replaced by A.
Protein change: p.Pro656His; replaces proline 656 with histidine.
Molecular consequence: missense variant.
Genome position (GRCh38, 1-based): chr9:134,761,956, C>A. VCF-style: chr9-134761956-C-A. GRCh37 (hg19) VCF-style: chr9-137653802-C-A.
Other names: c.1967C>A, p.Pro656His (NM_001278074.1); short protein forms P656H.
Identifiers: ClinVar variation 4841619 (VCV004841619.1).

ClinVar aggregate classification (germline): Uncertain significance (1 of 4 stars; one submission).

Conditions:
Familial thoracic aortic aneurysm and aortic dissection (TAAD). Also called: Thoracic aortic aneurysms and dissections. Identifiers: Orphanet 91387, MedGen C4707243, MONDO:0019625.

gnomAD v4.1: 1 of 1,613,450 alleles (0.000062%); highest among the groups gnomAD compares: African/African-American, 0.0013%; no homozygotes.

Submission:

Ambry Genetics
Classification: Uncertain significance for Familial thoracic aortic aneurysm and aortic dissection. Last evaluated: 2025-12-16. Review status: criteria provided, single submitter. Criteria: Ambry Variant Classification Scheme 2023. Collection method: clinical testing. Allele origin: germline.
Comment: The p.P656H variant (also known as c.1967C>A), located in coding exon 19 of the COL5A1 gene, results from a C to A substitution at nucleotide position 1967. The proline at codon 656 is replaced by histidine, an amino acid with similar properties. This amino acid position is conserved. In addition, the in silico prediction for this alteration is inconclusive. Based on the available evidence, the clinical significance of this variant remains unclear.